The following is an entry in ClinVar:

NM_139318.5(KCNH5):c.304+3A>G

Gene: KCNH5 (potassium voltage-gated channel subfamily H member 5; minus strand). Cytogenetic location: 14q23.2.
Variant type: single nucleotide variant.
Coding change: c.304+3A>G on transcript NM_139318.5 (MANE Select); 3 bases into the intron after coding-DNA position 304, A replaced by G.
Molecular consequence: intron variant.
Genome position (GRCh38, 1-based): chr14:63,006,363, T>C on the plus strand (A>G on the coding strand, the complement: KCNH5 is on the minus strand). VCF-style: chr14-63006363-T-C. GRCh37 (hg19) VCF-style: chr14-63473081-T-C.
Other names: c.304+3A>G (NM_172375.3).
Identifiers: ClinVar variation 2130899 (VCV002130899.4), dbSNP rs2503077253, ClinGen allele CA2580088308.

ClinVar aggregate classification (germline): Uncertain significance (1 of 4 stars; one submission).

Conditions:
Early-infantile DEE. Also called: Early infantile epileptic encephalopathy; Ohtahara syndrome; Early infantile epileptic encephalopathy with suppression bursts. Identifiers: Orphanet 1934, MedGen C0393706, MONDO:0800491.

Submission:

Labcorp Genetics (formerly Invitae), Labcorp
Classification: Uncertain significance for Early-infantile DEE. Last evaluated: 2022-04-26. Review status: criteria provided, single submitter. Criteria: Invitae Variant Classification Sherloc (09022015). Collection method: clinical testing. Allele origin: germline.
Comment: This variant has not been reported in the literature in individuals affected with KCNH5-related conditions. This sequence change falls in intron 3 of the KCNH5 gene. It does not directly change the encoded amino acid sequence of the KCNH5 protein. It affects a nucleotide within the consensus splice site. This variant is not present in population databases (gnomAD no frequency). Variants that disrupt the consensus splice site are a relatively common cause of aberrant splicing (PMID: 17576681, 9536098). Algorithms developed to predict the effect of sequence changes on RNA splicing suggest that this variant is not likely to affect RNA splicing. In summary, the available evidence is currently insufficient to determine the role of this variant in disease. Therefore, it has been classified as a Variant of Uncertain Significance.

Literature cited by the submitters: PubMed 17576681; PubMed 9536098.